The following is an entry in ClinVar:

ClinVar aggregate classification (germline): Uncertain significance (1 of 4 stars; one submission).

Allele frequency attached by ClinVar (database versions not stated): TOPMed 0.00001; gnomAD exomes 0.00002; ExAC 0.00006.
gnomAD v4.1: 22 of 1,557,028 alleles (0.0014%); highest among the groups gnomAD compares: South Asian, 0.011%; no homozygotes.

Submission:

Labcorp Genetics (formerly Invitae), Labcorp
Classification: Uncertain significance. Last evaluated: 2023-11-07. Review status: criteria provided, single submitter. Criteria: Invitae Variant Classification Sherloc (09022015). Collection method: clinical testing. Allele origin: germline.
Comment: This sequence change replaces alanine, which is neutral and non-polar, with threonine, which is neutral and polar, at codon 398 of the SLC26A1 protein (p.Ala398Thr). The frequency data for this variant in the population databases is considered unreliable, as metrics indicate poor data quality at this position in the gnomAD database. This variant has not been reported in the literature in individuals affected with SLC26A1-related conditions. Advanced modeling of protein sequence and biophysical properties (such as structural, functional, and spatial information, amino acid conservation, physicochemical variation, residue mobility, and thermodynamic stability) performed at Invitae indicates that this missense variant is not expected to disrupt SLC26A1 protein function with a negative predictive value of 80%. In summary, the available evidence is currently insufficient to determine the role of this variant in disease. Therefore, it has been classified as a Variant of Uncertain Significance.

NM_022042.4(SLC26A1):c.1192G>A (p.Ala398Thr)

Genes: IDUA (alpha-L-iduronidase; plus strand), SLC26A1 (solute carrier family 26 member 1; minus strand). Cytogenetic location: 4p16.3.
Variant type: single nucleotide variant.
Coding change: c.1192G>A on transcript NM_022042.4 (MANE Select); coding-DNA position 1192, G replaced by A.
Protein change: p.Ala398Thr; replaces alanine 398 with threonine.
Molecular consequence: missense variant. On other transcripts: intron variant (2).
Genome position (GRCh38, 1-based): chr4:989,747, C>T on the plus strand (G>A on the coding strand, the complement: SLC26A1 is on the minus strand). VCF-style: chr4-989747-C-T. GRCh37 (hg19) VCF-style: chr4-983535-C-T.
Other names: c.1192G>A, p.Ala398Thr (NM_213613.4); c.576+1381G>A (NM_134425.4); c.299+1798C>T (NM_000203.5); short protein forms A398T.
Identifiers: ClinVar variation 2896944 (VCV002896944.3), dbSNP rs781251989, ClinGen allele CA2801439.